The following is an entry in ClinVar:

ClinVar aggregate classification (germline): Benign (0 of 4 stars; one submission).

Conditions:
PPRC1-related disorder. Also called: PPRC1-related condition.

Allele frequency attached by ClinVar (database versions not stated): ESP Exome Variant Server 0.00046; gnomAD exomes 0.00154; gnomAD 0.00226; TOPMed 0.00231; ExAC 0.00476; 1000 Genomes Project 30x 0.00562; 1000 Genomes Project 0.00599.
gnomAD v4.1: 2,600 of 1,612,290 alleles (0.16%); highest among the groups gnomAD compares: East Asian, 1.5%; 21 homozygotes.

Submission:

PreventionGenetics, part of Exact Sciences
Classification: Benign for PPRC1-related condition. Last evaluated: 2019-02-20. Review status: no assertion criteria provided. Collection method: clinical testing. Allele origin: germline.
Comment: This variant is classified as benign based on ACMG/AMP sequence variant interpretation guidelines (Richards et al. 2015 PMID: 25741868, with internal and published modifications).

NM_015062.5(PPRC1):c.4489T>C (p.Ser1497Pro)

Gene: PPRC1 (PPARG related coactivator 1; plus strand). Cytogenetic location: 10q24.32.
Variant type: single nucleotide variant.
Coding change: c.4489T>C on transcript NM_015062.5 (MANE Select); coding-DNA position 4489, T replaced by C.
Protein change: p.Ser1497Pro; replaces serine 1497 with proline.
Molecular consequence: missense variant.
Genome position (GRCh38, 1-based): chr10:102,148,460, T>C. VCF-style: chr10-102148460-T-C. GRCh37 (hg19) VCF-style: chr10-103908217-T-C.
Other names: c.3697T>C, p.Ser1233Pro (NM_001288727.2); c.4129T>C, p.Ser1377Pro (NM_001288728.2); short protein forms S1233P, S1377P, S1497P.
Identifiers: ClinVar variation 3058932 (VCV003058932.2), dbSNP rs145965846, ClinGen allele CA5661567.